The following is an entry in ClinVar:

NM_001876.4(CPT1A):c.357C>T (p.Ile119=)

Gene: CPT1A (carnitine palmitoyltransferase 1A; minus strand). Cytogenetic location: 11q13.3.
Variant type: single nucleotide variant.
Coding change: c.357C>T on transcript NM_001876.4 (MANE Select); coding-DNA position 357, C replaced by T.
Protein change: p.Ile119=; no amino-acid change (isoleucine 119 retained).
Molecular consequence: synonymous variant.
Genome position (GRCh38, 1-based): chr11:68,807,563, G>A on the plus strand (C>T on the coding strand, the complement: CPT1A is on the minus strand). VCF-style: chr11-68807563-G-A. GRCh37 (hg19) VCF-style: chr11-68575031-G-A.
Other names: c.357C>T, p.Ile119= (NM_001031847.3).
Identifiers: ClinVar variation 513496 (VCV000513496.13), dbSNP rs138011726, ClinGen allele CA6152700.

ClinVar aggregate classification (germline): Likely benign. Review status: criteria provided, multiple submitters, no conflicts (2 of 4 stars). 3 submissions from 3 submitters: Likely benign (2). 1 of the submissions does not count toward it. Last evaluated 2026-01-17.

Conditions:
Carnitine palmitoyl transferase 1A deficiency. Also called: Carnitine palmitoyltransferase 1A deficiency; CPT I DEFICIENCY; CPT DEFICIENCY, HEPATIC, TYPE I; Carnitine palmitoyltransferase type I deficiency; CPT deficiency, hepatic, type IA. Identifiers: Orphanet 156, MedGen C1829703, MONDO:0009705, OMIM 255120.
CPT1A-related disorder. Also called: CPT1A-related condition.

Allele frequency attached by ClinVar (database versions not stated): ExAC 0.00008; gnomAD exomes 0.00012 and 0.00026; gnomAD 0.00013 and 0.00015; TOPMed 0.00013; ESP Exome Variant Server 0.00023.
gnomAD v4.1: 391 of 1,614,040 alleles (0.024%); highest among the groups gnomAD compares: Non-Finnish European, 0.031%; no homozygotes.

Submissions (3):

Labcorp Genetics (formerly Invitae), Labcorp
Classification: Likely benign for Carnitine palmitoyl transferase 1A deficiency. Last evaluated: 2026-01-17. Review status: criteria provided, single submitter. Criteria: Invitae Variant Classification Sherloc (09022015). Collection method: clinical testing. Allele origin: germline.

GeneDx
Classification: Likely benign. Last evaluated: 2017-12-06. Review status: criteria provided, single submitter. Criteria: GeneDx Variant Classification (06012015). Collection method: clinical testing. Allele origin: germline. Affected: yes.
Comment: This variant is considered likely benign or benign based on one or more of the following criteria: it is a conservative change, it occurs at a poorly conserved position in the protein, it is predicted to be benign by multiple in silico algorithms, and/or has population frequency not consistent with disease.

PreventionGenetics, part of Exact Sciences
Classification: Likely benign for CPT1A-related condition. Last evaluated: 2020-10-27. Review status: no assertion criteria provided. Collection method: clinical testing. Allele origin: germline. Not counted in ClinVar's aggregate classification.
Comment: This variant is classified as likely benign based on ACMG/AMP sequence variant interpretation guidelines (Richards et al. 2015 PMID: 25741868, with internal and published modifications).